The following is an entry in ClinVar:

NM_006445.4(PRPF8):c.2726A>G (p.Tyr909Cys)

Gene: PRPF8 (pre-mRNA processing factor 8; minus strand). Cytogenetic location: 17p13.3.
Variant type: single nucleotide variant.
Coding change: c.2726A>G on transcript NM_006445.4 (MANE Select); coding-DNA position 2726, A replaced by G.
Protein change: p.Tyr909Cys; replaces tyrosine 909 with cysteine.
Molecular consequence: missense variant.
Genome position (GRCh38, 1-based): chr17:1,675,766, T>C on the plus strand (A>G on the coding strand, the complement: PRPF8 is on the minus strand). VCF-style: chr17-1675766-T-C. GRCh37 (hg19) VCF-style: chr17-1579060-T-C.
Other names: short protein forms Y909C.
Identifiers: ClinVar variation 3938568 (VCV003938568.2).

ClinVar aggregate classification (germline): Uncertain significance (1 of 4 stars; one submission).

Conditions:
Inborn genetic diseases. Identifiers: MedGen C0950123, MeSH D030342.

Submission:

Ambry Genetics
Classification: Uncertain significance for Inborn genetic diseases. Last evaluated: 2025-08-26. Review status: criteria provided, single submitter. Criteria: Ambry Variant Classification Scheme 2023. Collection method: clinical testing. Allele origin: germline.
Comment: The c.2726A>G (p.Y909C) alteration is located in exon 19 (coding exon 18) of the PRPF8 gene. This alteration results from a A to G substitution at nucleotide position 2726, causing the tyrosine (Y) at amino acid position 909 to be replaced by a cysteine (C). This variant was not reported in population-based cohorts in the Genome Aggregation Database (gnomAD). This amino acid position is highly conserved in available vertebrate species. This alteration is predicted to be deleterious by in silico analysis. Based on insufficient or conflicting evidence, the clinical significance of this alteration remains unclear.